The following is an entry in ClinVar:

NM_001286.5(CLCN6):c.722T>C (p.Phe241Ser)

Gene: CLCN6 (chloride voltage-gated channel 6; plus strand). Cytogenetic location: 1p36.22.
Variant type: single nucleotide variant.
Coding change: c.722T>C on transcript NM_001286.5 (MANE Select); coding-DNA position 722, T replaced by C.
Protein change: p.Phe241Ser; replaces phenylalanine 241 with serine.
Molecular consequence: missense variant.
Genome position (GRCh38, 1-based): chr1:11,827,103, T>C. VCF-style: chr1-11827103-T-C. GRCh37 (hg19) VCF-style: chr1-11887160-T-C.
Other names: c.656T>C, p.Phe219Ser (NM_001256959.2); short protein forms F219S, F241S.
Identifiers: ClinVar variation 1469449 (VCV001469449.8), dbSNP rs759941293, ClinGen allele CA338428685.
Genomic context (GRCh38, chr1:11,827,103, plus strand): 5'-GGCTGGGGGCTCTTTATTGGATAACCCGTCTCTCTCCTCTCCTCAGAGACAAGAGAGACT[T>C]TGTATCAGCAGGAGCGGCTGCTGGAGTTGCTGCAGCTTTCGGGGCGCCAATCGGGGGTAC-3'
Protein context (NP_001277.2, residues 231-251): YFRSDRDKRD[Phe241Ser]VSAGAAAGVA

ClinVar aggregate classification (germline): Uncertain significance (1 of 4 stars; one submission).

gnomAD v4.1: 7 of 1,613,790 alleles (0.00043%); highest among the groups gnomAD compares: Non-Finnish European, 0.00059%; no homozygotes.

Submission:

Labcorp Genetics (formerly Invitae), Labcorp
Classification: Uncertain significance. Last evaluated: 2021-04-27. Review status: criteria provided, single submitter. Criteria: Invitae Variant Classification Sherloc (09022015). Collection method: clinical testing. Allele origin: germline.
Comment: This variant has not been reported in the literature in individuals with CLCN6-related conditions. In summary, the available evidence is currently insufficient to determine the role of this variant in disease. Therefore, it has been classified as a Variant of Uncertain Significance. Algorithms developed to predict the effect of missense changes on protein structure and function (SIFT, PolyPhen-2, Align-GVGD) all suggest that this variant is likely to be disruptive, but these predictions have not been confirmed by published functional studies and their clinical significance is uncertain. This variant is not present in population databases (ExAC no frequency). This sequence change replaces phenylalanine with serine at codon 241 of the CLCN6 protein (p.Phe241Ser). The phenylalanine residue is highly conserved and there is a large physicochemical difference between phenylalanine and serine.